The following is an entry in ClinVar:

ClinVar aggregate classification (germline): Uncertain significance. Review status: criteria provided, multiple submitters, no conflicts (2 of 4 stars). 3 submissions from 3 submitters: Uncertain significance (3). Last evaluated 2025-03-05.

Conditions:
Sessile serrated polyposis cancer syndrome (SSPCS). Identifiers: Orphanet 157798, MedGen C4310714, MONDO:0014919, OMIM 617108.

Allele frequency attached by ClinVar (database versions not stated): gnomAD exomes below 0.00001.
gnomAD v4.1: 1 of 1,611,702 alleles (0.000062%); highest among the groups gnomAD compares: Non-Finnish European, 0.000085%; no homozygotes.

Submissions (3):

Ambry Genetics
Classification: Uncertain significance. Last evaluated: 2025-03-05. Review status: criteria provided, single submitter. Criteria: Ambry Variant Classification Scheme 2023. Collection method: clinical testing. Allele origin: germline.
Comment: The p.G608R variant (also known as c.1822G>A), located in coding exon 8 of the RNF43 gene, results from a G to A substitution at nucleotide position 1822. The glycine at codon 608 is replaced by arginine, an amino acid with dissimilar properties. This amino acid position is conserved. In addition, this alteration is predicted to be tolerated by in silico analysis. Based on the available evidence, the clinical significance of this variant remains unclear.

Labcorp Genetics (formerly Invitae), Labcorp
Classification: Uncertain significance. Last evaluated: 2024-11-06. Review status: criteria provided, single submitter. Criteria: Invitae Variant Classification Sherloc (09022015). Collection method: clinical testing. Allele origin: germline.
Comment: This sequence change replaces glycine, which is neutral and non-polar, with arginine, which is basic and polar, at codon 608 of the RNF43 protein (p.Gly608Arg). This variant is not present in population databases (gnomAD no frequency). This variant has not been reported in the literature in individuals affected with RNF43-related conditions. ClinVar contains an entry for this variant (Variation ID: 1465868). An algorithm developed to predict the effect of missense changes on protein structure and function outputs the following: PolyPhen-2: "Benign". The arginine amino acid residue is found in multiple mammalian species, which suggests that this missense change does not adversely affect protein function. In summary, the available evidence is currently insufficient to determine the role of this variant in disease. Therefore, it has been classified as a Variant of Uncertain Significance.

Fulgent Genetics
Classification: Uncertain significance for Sessile serrated polyposis cancer syndrome. Last evaluated: 2024-03-06. Review status: criteria provided, single submitter. Criteria: ACMG Guidelines, 2015. Collection method: clinical testing. Allele origin: germline.

NM_017763.6(RNF43):c.1822G>A (p.Gly608Arg)

Gene: RNF43 (ring finger protein 43; minus strand). Cytogenetic location: 17q22.
Variant type: single nucleotide variant.
Coding change: c.1822G>A on transcript NM_017763.6 (MANE Select); coding-DNA position 1822, G replaced by A.
Protein change: p.Gly608Arg; replaces glycine 608 with arginine.
Molecular consequence: missense variant.
Genome position (GRCh38, 1-based): chr17:58,357,954, C>T on the plus strand (G>A on the coding strand, the complement: RNF43 is on the minus strand). VCF-style: chr17-58357954-C-T. GRCh37 (hg19) VCF-style: chr17-56435315-C-T.
Other names: c.1822G>A (NM_017763.4); c.1822G>A, p.Gly608Arg (NM_001305544.3); c.1441G>A, p.Gly481Arg (NM_001305545.2); short protein forms G481R, G608R.
Identifiers: ClinVar variation 1465868 (VCV001465868.10), dbSNP rs2143398729, ClinGen allele CA400387325.